The following is an entry in ClinVar:

NM_000535.7(PMS2):c.1576G>T (p.Asp526Tyr)

Gene: PMS2 (PMS1 homolog 2, mismatch repair system component; minus strand). Cytogenetic location: 7p22.1.
Variant type: single nucleotide variant.
Coding change: c.1576G>T on transcript NM_000535.7 (MANE Select); coding-DNA position 1576, G replaced by T.
Protein change: p.Asp526Tyr; replaces aspartic acid 526 with tyrosine.
Molecular consequence: missense variant. On other transcripts: non-coding transcript variant (1).
Genome position (GRCh38, 1-based): chr7:5,987,189, C>A on the plus strand (G>T on the coding strand, the complement: PMS2 is on the minus strand). VCF-style: chr7-5987189-C-A. GRCh37 (hg19) VCF-style: chr7-6026820-C-A.
Other names: c.1171G>T, p.Asp391Tyr (NM_001322003.2, NM_001322004.2, NM_001322005.2 and 1 more transcripts); c.1420G>T, p.Asp474Tyr (NM_001322006.2); c.1258G>T, p.Asp420Tyr (NM_001322007.2, NM_001322008.2); c.1015G>T, p.Asp339Tyr (NM_001322010.2); c.643G>T, p.Asp215Tyr (NM_001322011.2, NM_001322012.2); c.1003G>T, p.Asp335Tyr (NM_001322013.2); c.1576G>T, p.Asp526Tyr (NM_001322014.2); c.1267G>T, p.Asp423Tyr (NM_001322015.2); short protein forms D526Y, D339Y, D391Y, D420Y, D474Y, D335Y, D215Y, D423Y.
Identifiers: ClinVar variation 186139 (VCV000186139.32), dbSNP rs63750686, ClinGen allele CA009889.

ClinVar aggregate classification (germline): Conflicting classifications of pathogenicity. Review status: criteria provided, conflicting classifications (1 of 4 stars). 11 submissions from 11 submitters: Uncertain significance (10); Benign (1). Last evaluated 2026-01-26.

Conditions:
Hereditary nonpolyposis colorectal neoplasms. Identifiers: MedGen C0009405, MeSH D003123.
Mismatch repair cancer syndrome 4. Identifiers: MedGen C5436817, MONDO:0030843, OMIM 619101.
Lynch syndrome 4 (LYNCH4). Also called: Hereditary non-polyposis colorectal cancer, type 4; Colorectal cancer, hereditary nonpolyposis, type 4. Identifiers: Orphanet 144, MedGen C1838333, MONDO:0013699, OMIM 614337. Disease mechanism: loss of function.
Hereditary cancer-predisposing syndrome. Also called: Hereditary neoplastic syndrome; Neoplastic Syndromes, Hereditary; Tumor predisposition; Hereditary Cancer Syndrome. Identifiers: Orphanet 140162, MedGen C0027672, MeSH D009386, MONDO:0015356.
Lynch syndrome. Identifiers: Orphanet 144, MedGen C4552100, MONDO:0005835. Disease mechanism: loss of function.

Allele frequency attached by ClinVar (database versions not stated): ExAC 0.00003; gnomAD exomes 0.00003; TOPMed 0.00010; ESP Exome Variant Server 0.00023.
gnomAD v4.1: 30 of 1,613,884 alleles (0.0019%); highest among the groups gnomAD compares: African/African-American, 0.033%; no homozygotes.

Submissions (11):

Labcorp Genetics (formerly Invitae), Labcorp
Classification: Benign for Hereditary nonpolyposis colorectal neoplasms. Last evaluated: 2026-01-26. Review status: criteria provided, single submitter. Criteria: Invitae Variant Classification Sherloc (09022015). Collection method: clinical testing. Allele origin: germline.

Color Diagnostics, LLC DBA Color Health
Classification: Uncertain significance for Hereditary cancer-predisposing syndrome. Last evaluated: 2025-05-21. Review status: criteria provided, single submitter. Criteria: ACMG Guidelines, 2015. Collection method: clinical testing. Allele origin: germline.
Comment: This missense variant replaces aspartic acid with tyrosine at codon 526 of the PMS2 protein. Computational prediction suggests that this variant may not impact protein structure and function. To our knowledge, functional studies have not been reported for this variant. This variant has not been reported in individuals affected with PMS2-related disorders in the literature. This variant has been identified in 7/251074 chromosomes in the general population by the Genome Aggregation Database (gnomAD). The available evidence is insufficient to determine the role of this variant in disease conclusively. Therefore, this variant is classified as a Variant of Uncertain Significance.

Women's Health and Genetics/Laboratory Corporation of America, LabCorp
Classification: Uncertain significance. Last evaluated: 2025-03-31. Review status: criteria provided, single submitter. Criteria: LabCorp Variant Classification Summary - May 2015. Collection method: clinical testing. Allele origin: germline.
Comment: Variant summary: PMS2 c.1576G>T (p.Asp526Tyr) results in a non-conservative amino acid change in the encoded protein sequence. Five of five in-silico tools predict a damaging effect of the variant on protein function. The variant allele was found at a frequency of 2.8e-05 in 251074 control chromosomes (gnomAD). The available data on variant occurrences in the general population are insufficient to allow any conclusion about variant significance. c.1576G>T has been reported in the literature in individuals affected with Hereditary Nonpolyposis Colorectal Cancer or Hereditary Breast and Ovarian Cancer (Bhai_2021, Molina-Zayas_2022). These reports do not provide unequivocal conclusions about association of the variant with Hereditary Nonpolyposis Colorectal Cancer. To our knowledge, no experimental evidence demonstrating an impact on protein function has been reported. The following publications have been ascertained in the context of this evaluation (PMID: 34326862, 35451682). ClinVar contains an entry for this variant (Variation ID: 186139). Based on the evidence outlined above, the variant was classified as uncertain significance.

Ambry Genetics
Classification: Uncertain significance for Hereditary cancer-predisposing syndrome. Last evaluated: 2024-11-08. Review status: criteria provided, single submitter. Criteria: Ambry Variant Classification Scheme 2023. Collection method: clinical testing. Allele origin: germline.
Comment: The p.D526Y variant (also known as c.1576G>T), located in coding exon 11 of the PMS2 gene, results from a G to T substitution at nucleotide position 1576. The aspartic acid at codon 526 is replaced by tyrosine, an amino acid with highly dissimilar properties. This variant was identified in a cohort of 3,579 African males diagnosed with prostate cancer who underwent multi-gene panel testing of 19 DNA repair and cancer predisposition genes (Matejcic M et al. JCO Precis Oncol, 2020 Jan;4:32-43). This amino acid position is well conserved in available vertebrate species. In addition, the in silico prediction for this alteration is inconclusive. Since supporting evidence is limited at this time, the clinical significance of this alteration remains unclear.

GeneDx
Classification: Uncertain significance. Last evaluated: 2024-05-09. Review status: criteria provided, single submitter. Criteria: GeneDx Variant Classification Process June 2021. Collection method: clinical testing. Allele origin: germline. Affected: yes.
Comment: In silico analysis supports that this missense variant has a deleterious effect on protein structure/function; This variant is associated with the following publications: (PMID: 32832836, 34326862, 33359728, 35451682)

Baylor Genetics
Classification: Uncertain significance for Lynch syndrome 4. Last evaluated: 2024-03-22. Review status: criteria provided, single submitter. Criteria: ACMG Guidelines, 2015. Collection method: clinical testing. Allele origin: unknown.

All of Us Research Program, National Institutes of Health
Classification: Uncertain significance for Lynch syndrome. Last evaluated: 2024-02-05. Review status: criteria provided, single submitter. Criteria: ACMG Guidelines, 2015. Collection method: clinical testing. Allele origin: germline. Inheritance: Autosomal dominant inheritance. Observed: 3 variant alleles, 3 heterozygotes.
Comment: This missense variant replaces aspartic acid with tyrosine at codon 526 of the PMS2 protein. Computational prediction suggests that this variant may not impact protein structure and function (internally defined REVEL score threshold <= 0.5, PMID: 27666373). To our knowledge, functional studies have not been reported for this variant. This variant has not been reported in individuals affected with PMS2-related disorders in the literature. This variant has been identified in 7/251074 chromosomes in the general population by the Genome Aggregation Database (gnomAD). The available evidence is insufficient to determine the role of this variant in disease conclusively. Therefore, this variant is classified as a Variant of Uncertain Significance.

This study involves interpretation of variants in research participants for the purpose of population health screening. Participant phenotype was not available at the time of variant classification. Additional details can be found in publication PMID: 35346344, PMCID: PMC8962531

Sema4
Classification: Uncertain significance for Hereditary cancer-predisposing syndrome. Last evaluated: 2021-09-30. Review status: criteria provided, single submitter. Criteria: Sema4 Curation Guidelines. Collection method: curation. Allele origin: germline.
Comment: The PMS2 c.1576G>T (p.D526Y) variant has not been reported in the literature to our knowledge. It was observed in 5/16106 chromosomes of the African/African American subpopulation in the large and broad cohorts of the Genome Aggregation Database (PMID: 32461654). The variant has been reported in ClinVar (Variation ID 186139). Functional studies have not been performed, and in silico predictions of the variant's effect on protein function are inconclusive. The evidence is insufficient to meet ACMG/AMP criteria for classifying the variant as benign or pathogenic. Thus, the clinical significance of this variant is currently uncertain.

Fulgent Genetics
Classification: Uncertain significance for Lynch syndrome 4; Mismatch repair cancer syndrome 4. Last evaluated: 2021-07-27. Review status: criteria provided, single submitter. Criteria: ACMG Guidelines, 2015. Collection method: clinical testing. Allele origin: unknown.

Quest Diagnostics Nichols Institute San Juan Capistrano
Classification: Uncertain significance. Last evaluated: 2019-01-15. Review status: criteria provided, single submitter. Criteria: Quest Diagnostics criteria. Collection method: clinical testing. Allele origin: germline.

PreventionGenetics, part of Exact Sciences
Classification: Uncertain significance. Last evaluated: 2017-06-29. Review status: criteria provided, single submitter. Criteria: ACMG Guidelines, 2015. Collection method: clinical testing. Allele origin: germline.

Literature cited by the submitters: PubMed 34326862 (cited by Women's Health and Genetics/Laboratory Corporation of America, LabCorp); PubMed 35451682 (cited by Women's Health and Genetics/Laboratory Corporation of America, LabCorp); PubMed 32832836 (cited by Ambry Genetics).